The following is an entry in ClinVar:

NM_000719.7(CACNA1C):c.5717G>T (p.Arg1906Leu)

Genes: CACNA1C (calcium voltage-gated channel subunit alpha1 C; plus strand), CACNA1C-AS1 (CACNA1C antisense RNA 1; minus strand). Cytogenetic location: 12p13.33.
Variant type: single nucleotide variant.
Coding change: c.5717G>T on transcript NM_000719.7 (MANE Select); coding-DNA position 5717, G replaced by T.
Protein change: p.Arg1906Leu; replaces arginine 1906 with leucine.
Molecular consequence: missense variant.
Genome position (GRCh38, 1-based): chr12:2,686,202, G>T. VCF-style: chr12-2686202-G-T. GRCh37 (hg19) VCF-style: chr12-2795368-G-T.
Other names: c.5861G>T, p.Arg1954Leu (NM_001129827.2); c.5840G>T, p.Arg1947Leu (NM_001129829.2); c.5822G>T, p.Arg1941Leu (NM_001129830.3, NM_001167624.3); c.5801G>T, p.Arg1934Leu (NM_001129831.2); c.5777G>T, p.Arg1926Leu (NM_001129832.2); c.5774G>T, p.Arg1925Leu (NM_001129833.2, NM_001129834.2, NM_001129835.2); c.5768G>T, p.Arg1923Leu (NM_001129836.2); c.5741G>T, p.Arg1914Leu (NM_001129837.2, NM_001129838.2); and 6 more; short protein forms R1925L, R1926L, R1947L, R1895L, R1906L, R1923L, R1941L, R1966L.
Identifiers: ClinVar variation 1973926 (VCV001973926.5), dbSNP rs758166168, ClinGen allele CA6389954.
Genomic context (GRCh38, chr12:2,686,202, plus strand): 5'-GTGGCTCTCTGGCTGGCTTTGCAGGTCGAAGGGCCTCCTTCCACCTGGAATGTCTGAAGC[G>T]ACAGAAGGACCGAGGGGGAGACATCTCTCAGAAGACAGTCCTGCCCTTGCATCTGGTTCA-3'
Protein context (NP_000710.5, residues 1896-1916): RASFHLECLK[Arg1906Leu]QKDRGGDISQ

ClinVar aggregate classification (germline): Uncertain significance (1 of 4 stars; one submission).

Conditions:
Long QT syndrome (LQTS). Identifiers: MedGen C0023976, MeSH D008133, MONDO:0002442. Disease mechanism: loss of function. Inheritance: Various modes of inheritance.

gnomAD v4.1: 5 of 1,613,930 alleles (0.00031%); highest among the groups gnomAD compares: Admixed American, 0.0033%; no homozygotes.

Submission:

Labcorp Genetics (formerly Invitae), Labcorp
Classification: Uncertain significance for Long QT syndrome. Last evaluated: 2022-07-17. Review status: criteria provided, single submitter. Criteria: Invitae Variant Classification Sherloc (09022015). Collection method: clinical testing. Allele origin: germline.
Comment: In summary, the available evidence is currently insufficient to determine the role of this variant in disease. Therefore, it has been classified as a Variant of Uncertain Significance. Algorithms developed to predict the effect of missense changes on protein structure and function are either unavailable or do not agree on the potential impact of this missense change (SIFT: "Deleterious"; PolyPhen-2: "Benign"; Align-GVGD: "Class C0"). This variant has not been reported in the literature in individuals affected with CACNA1C-related conditions. This variant is present in population databases (rs758166168, gnomAD 0.006%). This sequence change replaces arginine, which is basic and polar, with leucine, which is neutral and non-polar, at codon 1906 of the CACNA1C protein (p.Arg1906Leu).